The following is an entry in ClinVar:

NM_005560.6(LAMA5):c.1851C>A (p.Asp617Glu)

Gene: LAMA5 (laminin subunit alpha 5; minus strand). Cytogenetic location: 20q13.33.
Variant type: single nucleotide variant.
Coding change: c.1851C>A on transcript NM_005560.6 (MANE Select); coding-DNA position 1851, C replaced by A.
Protein change: p.Asp617Glu; replaces aspartic acid 617 with glutamic acid.
Molecular consequence: missense variant.
Genome position (GRCh38, 1-based): chr20:62,338,056, G>T on the plus strand (C>A on the coding strand, the complement: LAMA5 is on the minus strand). VCF-style: chr20-62338056-G-T. GRCh37 (hg19) VCF-style: chr20-60913112-G-T.
Other names: short protein forms D617E.
Identifiers: ClinVar variation 3030600 (VCV003030600.2), dbSNP rs895876738, ClinGen allele CA317271098.
Genomic context (GRCh38, chr20:62,338,056, plus strand): 5'-TGCCCTGACCCTCTGCTCACCTTGGCAGTTGGGGAAACCATGGTAGCCAGGGCGGCACCG[G>T]TCACAATGAGGTCCAGCAAACTCAGGCTGGCATAGGCAGCGGCCGGCCTCATCGCAGCCC-3'
Protein context (NP_005551.3, residues 607-627): CQPEFAGPHC[Asp617Glu]RCRPGYHGFP

ClinVar aggregate classification (germline): Uncertain significance (0 of 4 stars; one submission).

Conditions:
LAMA5-related disorder. Also called: LAMA5-Related Disorders; LAMA5-related condition.

Allele frequency attached by ClinVar (database versions not stated): gnomAD exomes below 0.00001; TOPMed 0.00001.
gnomAD v4.1: 2 of 1,604,866 alleles (0.00012%); highest among the groups gnomAD compares: South Asian, 0.0011%; no homozygotes.

Submission:

PreventionGenetics, part of Exact Sciences
Classification: Uncertain significance for LAMA5-related condition. Last evaluated: 2023-12-05. Review status: no assertion criteria provided. Collection method: clinical testing. Allele origin: germline.
Comment: The LAMA5 c.1851C>A variant is predicted to result in the amino acid substitution p.Asp617Glu. To our knowledge, this variant has not been reported in the literature. This variant is reported in 0.0034% of alleles in individuals of South Asian descent in gnomAD. At this time, the clinical significance of this variant is uncertain due to the absence of conclusive functional and genetic evidence.